The following is an entry in ClinVar:

NM_004371.4(COPA):c.349A>G (p.Ile117Val)

Gene: COPA (COPI coat complex subunit alpha; minus strand). Cytogenetic location: 1q23.2.
Variant type: single nucleotide variant.
Coding change: c.349A>G on transcript NM_004371.4 (MANE Select); coding-DNA position 349, A replaced by G.
Protein change: p.Ile117Val; replaces isoleucine 117 with valine.
Molecular consequence: missense variant.
Genome position (GRCh38, 1-based): chr1:160,333,640, T>C on the plus strand (A>G on the coding strand, the complement: COPA is on the minus strand). VCF-style: chr1-160333640-T-C. GRCh37 (hg19) VCF-style: chr1-160303430-T-C.
Other names: c.349A>G, p.Ile117Val (NM_001098398.2); short protein forms I117V.
Identifiers: ClinVar variation 2499770 (VCV002499770.1), dbSNP rs2525459348, ClinGen allele CA343270269.
Genomic context (GRCh38, chr1:160,333,640, plus strand): 5'-GAGCCCTCTGCCTCCTGCTTTACCAAACACAGGTTCTAGATTGCCAGTTCCACACTCGGA[T>C]GGTCTGATCATCGGAGGCACTCAGAATCCAGGGATATTCCTGAAAGATATTCCAGACAAA-3'
Protein context (NP_004362.2, residues 107-127): WILSASDDQT[Ile117Val]RVWNWQSRTC

ClinVar aggregate classification (germline): Uncertain significance (1 of 4 stars; one submission).

Allele frequency attached by ClinVar (database versions not stated): gnomAD exomes 0.00001.
gnomAD v4.1: 11 of 1,613,588 alleles (0.00068%); highest among the groups gnomAD compares: Non-Finnish European, 0.00093%; no homozygotes.

Submission:

GeneDx
Classification: Uncertain significance. Last evaluated: 2022-10-22. Review status: criteria provided, single submitter. Criteria: GeneDx Variant Classification Process June 2021. Collection method: clinical testing. Allele origin: germline. Affected: yes.
Comment: Has not been previously published as pathogenic or benign to our knowledge; Not observed at significant frequency in large population cohorts (gnomAD); In silico analysis supports that this missense variant does not alter protein structure/function